The following is an entry in ClinVar:

ClinVar aggregate classification (germline): Conflicting classifications of pathogenicity. Review status: criteria provided, conflicting classifications (1 of 4 stars). 8 submissions from 8 submitters: Uncertain significance (6); Likely benign (1). 1 of the submissions does not count toward it. Last evaluated 2025-12-13.

Conditions:
Hereditary cancer-predisposing syndrome. Also called: Tumor predisposition; Hereditary Cancer Syndrome; Neoplastic Syndromes, Hereditary; Hereditary neoplastic syndrome. Identifiers: Orphanet 140162, MedGen C0027672, MeSH D009386, MONDO:0015356.
Hereditary breast ovarian cancer syndrome. Also called: Breast and ovarian cancer; Hereditary breast and ovarian cancer; Hereditary breast and ovarian cancer syndrome; BRCA1- and BRCA2-Associated Hereditary Breast and Ovarian Cancer; Hereditary breast and ovarian cancer syndrome (HBOC); Hereditary breast and/or ovarian cancer syndrome. Identifiers: Orphanet 145, MedGen C0677776, MeSH D061325, MONDO:0003582. Disease mechanism: loss of function.
BRCA2-related cancer predisposition. Identifiers: MedGen CN377758, MONDO:0700269.
Breast-ovarian cancer, familial, susceptibility to, 2 (BROVCA2). Also called: BRCA2 Hereditary Breast and Ovarian Cancer. Identifiers: Orphanet 145, MedGen C2675520, MONDO:0012933, OMIM 612555. Disease mechanism: loss of function.

Submissions (8):

Labcorp Genetics (formerly Invitae), Labcorp
Classification: Uncertain significance for Hereditary breast ovarian cancer syndrome. Last evaluated: 2025-12-13. Review status: criteria provided, single submitter. Criteria: Invitae Variant Classification Sherloc (09022015). Collection method: clinical testing. Allele origin: germline.
Comment: This sequence change replaces leucine, which is neutral and non-polar, with proline, which is neutral and non-polar, at codon 1813 of the BRCA2 protein (p.Leu1813Pro). This variant is not present in population databases (gnomAD no frequency). This variant has not been reported in the literature in individuals affected with BRCA2-related conditions. ClinVar contains an entry for this variant (Variation ID: 91414). Invitae Evidence Modeling of protein sequence and biophysical properties (such as structural, functional, and spatial information, amino acid conservation, physicochemical variation, residue mobility, and thermodynamic stability) indicates that this missense variant is not expected to disrupt BRCA2 protein function with a negative predictive value of 95%. In summary, the available evidence is currently insufficient to determine the role of this variant in disease. Therefore, it has been classified as a Variant of Uncertain Significance.

Ambry Genetics
Classification: Uncertain significance for Hereditary cancer-predisposing syndrome. Last evaluated: 2025-11-03. Review status: criteria provided, single submitter. Criteria: Ambry Variant Classification Scheme 2023. Collection method: clinical testing. Allele origin: germline.
Comment: The p.L1813P variant (also known as c.5438T>C), located in coding exon 10 of the BRCA2 gene, results from a T to C substitution at nucleotide position 5438. The leucine at codon 1813 is replaced by proline, an amino acid with similar properties. This amino acid position is not well conserved in available vertebrate species. In addition, this alteration is predicted to be tolerated by in silico analysis. Since supporting evidence is limited at this time, the clinical significance of this alteration remains unclear.

All of Us Research Program, National Institutes of Health
Classification: Uncertain significance for BRCA2-related cancer predisposition. Last evaluated: 2024-02-22. Review status: criteria provided, single submitter. Criteria: ACMG Guidelines, 2015. Collection method: clinical testing. Allele origin: germline. Inheritance: Autosomal dominant inheritance. Observed: 1 variant allele, 1 heterozygote.
Comment: This missense variant replaces leucine with proline at codon 1813 of the BRCA2 protein. Computational prediction suggests that this variant may not impact protein structure and function (internally defined REVEL score threshold <= 0.5, PMID: 27666373). To our knowledge, functional studies have not been reported for this variant. This variant has not been reported in individuals affected with BRCA2-related disorders in the literature. This variant has not been identified in the general population by the Genome Aggregation Database (gnomAD). The available evidence is insufficient to determine the role of this variant in disease conclusively. Therefore, this variant is classified as a Variant of Uncertain Significance.

This study involves interpretation of variants in research participants for the purpose of population health screening. Participant phenotype was not available at the time of variant classification. Additional details can be found in publication PMID: 35346344, PMCID: PMC8962531

University of Washington Department of Laboratory Medicine, University of Washington
Classification: Likely benign for Hereditary cancer-predisposing syndrome. Last evaluated: 2023-03-23. Review status: criteria provided, single submitter. Criteria: Dines et al. (Genet Med. 2020). Collection method: curation. Allele origin: germline.
Comment: Missense variant in a coldspot region where missense variants are very unlikely to be pathogenic (PMID:31911673).

BRCA2 exon 11 coldspot. Reclassification based on statistical prior probability.

Women's Health and Genetics/Laboratory Corporation of America, LabCorp
Classification: Uncertain significance. Last evaluated: 2020-07-23. Review status: criteria provided, single submitter. Criteria: LabCorp Variant Classification Summary - May 2015. Collection method: clinical testing. Allele origin: germline.
Comment: Variant summary: BRCA2 c.5438T>C (p.Leu1813Pro) results in a non-conservative amino acid change in the encoded protein sequence. Four of five in-silico tools predict a benign effect of the variant on protein function. The variant was absent in 251222 control chromosomes (gnomAD). The available data on variant occurrences in the general population are insufficient to allow any conclusion about variant significance. To our knowledge, no occurrence of c.5438T>C in individuals affected with Hereditary Breast and Ovarian Cancer Syndrome and no experimental evidence demonstrating its impact on protein function have been reported. Three other ClinVar submitters (evaluation after 2014) cite the variant as uncertain significance. Based on the evidence outlined above, the variant was classified as uncertain significance.

Quest Diagnostics Nichols Institute San Juan Capistrano
Classification: Uncertain significance. Last evaluated: 2019-12-09. Review status: criteria provided, single submitter. Criteria: Quest Diagnostics criteria. Collection method: clinical testing. Allele origin: unknown.

GeneDx
Classification: Uncertain significance. Last evaluated: 2017-07-17. Review status: criteria provided, single submitter. Criteria: GeneDx Variant Classification (06012015). Collection method: clinical testing. Allele origin: germline. Affected: yes.
Comment: This variant is denoted BRCA2 c.5438T>C at the cDNA level, p.Leu1813Pro (L1813P) at the protein level, and results in the change of a Leucine to a Proline (CTT>CCT). Using alternate nomenclature, this variant would be defined as BRCA2 5666T>C. This variant has not, to our knowledge, been published in the literature as pathogenic or benign. BRCA2 Leu1813Pro was not observed in large population cohorts (NHLBI Exome Sequencing Project, The 1000 Genomes Consortium 2015, Lek 2016). Since Leucine and Proline differ in some properties, this is considered a semi-conservative amino acid substitution. BRCA2 Leu1813Pro occurs at a position that is not conserved and is located in the RAD51 binding domain (Roy 2012). In silico analyses are inconsistent regarding the effect this variant may have on protein structure and function. Based on currently available evidence, it is unclear whether BRCA2 Leu1813Pro is a pathogenic or benign variant. We consider it to be a variant of uncertain significance.

Sharing Clinical Reports Project (SCRP)
Classification: Uncertain significance for Breast-ovarian cancer, familial 2. Last evaluated: 2010-03-16. Review status: no assertion criteria provided. Collection method: clinical testing. Allele origin: germline. Not counted in ClinVar's aggregate classification.

Literature cited by the submitters: PubMed 29884841 (cited by Ambry Genetics).

NM_000059.4(BRCA2):c.5438T>C (p.Leu1813Pro)

Gene: BRCA2 (BRCA2 DNA repair associated; plus strand). Cytogenetic location: 13q13.1.
Variant type: single nucleotide variant.
Coding change: c.5438T>C on transcript NM_000059.4 (MANE Select); coding-DNA position 5438, T replaced by C.
Protein change: p.Leu1813Pro; replaces leucine 1813 with proline.
Molecular consequence: missense variant.
Genome position (GRCh38, 1-based): chr13:32,339,793, T>C. VCF-style: chr13-32339793-T-C. GRCh37 (hg19) VCF-style: chr13-32913930-T-C.
Other names: p.L1813P:CTT>CCT; 5666T>C; short protein forms L1813P.
Identifiers: ClinVar variation 91414 (VCV000091414.25), dbSNP rs398122532, ClinGen allele CA022330.